The following is an entry in ClinVar:

ClinVar aggregate classification (germline): Uncertain significance (1 of 4 stars; one submission).

Submission:

Labcorp Genetics (formerly Invitae), Labcorp
Classification: Uncertain significance. Last evaluated: 2024-08-12. Review status: criteria provided, single submitter. Criteria: Invitae Variant Classification Sherloc (09022015). Collection method: clinical testing. Allele origin: germline.
Comment: This sequence change replaces alanine, which is neutral and non-polar, with valine, which is neutral and non-polar, at codon 77 of the COL13A1 protein (p.Ala77Val). This variant is not present in population databases (gnomAD no frequency). This variant has not been reported in the literature in individuals affected with COL13A1-related conditions. ClinVar contains an entry for this variant (Variation ID: 2112451). An algorithm developed to predict the effect of missense changes on protein structure and function (PolyPhen-2) suggests that this variant is likely to be disruptive. In summary, the available evidence is currently insufficient to determine the role of this variant in disease. Therefore, it has been classified as a Variant of Uncertain Significance.

NM_001368882.1(COL13A1):c.230C>T (p.Ala77Val)

Gene: COL13A1 (collagen type XIII alpha 1 chain; plus strand). Cytogenetic location: 10q22.1.
Variant type: single nucleotide variant.
Coding change: c.230C>T on transcript NM_001368882.1 (MANE Select); coding-DNA position 230, C replaced by T.
Protein change: p.Ala77Val; replaces alanine 77 with valine.
Molecular consequence: missense variant. On other transcripts: 5 prime UTR variant (1).
Genome position (GRCh38, 1-based): chr10:69,802,653, C>T. VCF-style: chr10-69802653-C-T. GRCh37 (hg19) VCF-style: chr10-71562409-C-T.
Other names: c.230C>T, p.Ala77Val (NM_001130103.2, NM_001320951.2, NM_001368883.1 and 11 more transcripts); c.-424C>T (NM_001368886.1); short protein forms A77V.
Identifiers: ClinVar variation 2112451 (VCV002112451.3), dbSNP rs1370655259, ClinGen allele CA376961812.